The following is an entry in ClinVar:

ClinVar aggregate classification (germline): Uncertain significance (1 of 4 stars; one submission).

Conditions:
Arrhythmogenic right ventricular dysplasia 13. Also called: ARRHYTHMOGENIC RIGHT VENTRICULAR CARDIOMYOPATHY 13; Arrhythmogenic right ventricular dysplasia, familial, 13. Identifiers: MedGen C3810138, MONDO:0000908, OMIM 615616.

gnomAD v4.1: 2 of 1,610,404 alleles (0.00012%); highest among the groups gnomAD compares: Non-Finnish European, 0.00017%; no homozygotes.

Submission:

Labcorp Genetics (formerly Invitae), Labcorp
Classification: Uncertain significance for Arrhythmogenic right ventricular dysplasia 13. Last evaluated: 2025-06-04. Review status: criteria provided, single submitter. Criteria: Invitae Variant Classification Sherloc (09022015). Collection method: clinical testing. Allele origin: germline.
Comment: This sequence change falls in intron 14 of the CTNNA3 gene. It does not directly change the encoded amino acid sequence of the CTNNA3 protein. It affects a nucleotide within the consensus splice site. This variant is present in population databases (rs752753211, gnomAD 0.0009%). This variant has not been reported in the literature in individuals affected with CTNNA3-related conditions. ClinVar contains an entry for this variant (Variation ID: 3717349). Variants that disrupt the consensus splice site are a relatively common cause of aberrant splicing (PMID: 17576681, 9536098). Algorithms developed to predict the effect of sequence changes on RNA splicing suggest that this variant is not likely to affect RNA splicing. In summary, the available evidence is currently insufficient to determine the role of this variant in disease. Therefore, it has been classified as a Variant of Uncertain Significance.

Literature cited by the submitters: PubMed 17576681; PubMed 9536098.

NM_013266.4(CTNNA3):c.1977+6T>C

Genes: CTNNA3 (catenin alpha 3; minus strand), CTNNA3-AS1 (CTNNA3 antisense RNA 1; plus strand). Cytogenetic location: 10q21.3.
Variant type: single nucleotide variant.
Coding change: c.1977+6T>C on transcript NM_013266.4 (MANE Select); 6 bases into the intron after coding-DNA position 1977, T replaced by C.
Molecular consequence: intron variant.
Genome position (GRCh38, 1-based): chr10:66,103,151, A>G on the plus strand (T>C on the coding strand, the complement: CTNNA3 is on the minus strand). VCF-style: chr10-66103151-A-G. GRCh37 (hg19) VCF-style: chr10-67862909-A-G.
Other names: c.1977+6T>C (NM_001127384.3).
Identifiers: ClinVar variation 3717349 (VCV003717349.2).